The following is an entry in ClinVar:

ClinVar aggregate classification (germline): Likely benign. Review status: criteria provided, multiple submitters, no conflicts (2 of 4 stars). 2 submissions from 2 submitters: Likely benign (2). Last evaluated 2025-11-01.

Conditions:
Charcot-Marie-Tooth disease axonal type 2O. Also called: Charcot-Marie-Tooth disease, axonal, type 20; CHARCOT-MARIE-TOOTH NEUROPATHY, AXONAL, TYPE 2O; CHARCOT-MARIE-TOOTH DISEASE, AXONAL, AUTOSOMAL DOMINANT, TYPE 2O; Charcot-Marie-Tooth Neuropathy Type 2O. Identifiers: Orphanet 284232, MedGen C3280220, MONDO:0013644, OMIM 614228.

Allele frequency attached by ClinVar (database versions not stated): TOPMed below 0.00001; gnomAD 0.00001; gnomAD exomes 0.00001.
gnomAD v4.1: 10 of 1,613,808 alleles (0.00062%); highest among the groups gnomAD compares: Non-Finnish European, 0.00076%; no homozygotes.

Submissions (2):

CeGaT Center for Human Genetics Tuebingen
Classification: Likely benign. Last evaluated: 2025-11-01. Review status: criteria provided, single submitter. Criteria: CeGaT Center For Human Genetics Tuebingen Variant Classification Criteria Version 2. Collection method: clinical testing. Allele origin: germline. Affected: yes. Observed: 1 variant allele.
Comment: DYNC1H1: BP4, BP7

Labcorp Genetics (formerly Invitae), Labcorp
Classification: Likely benign for Charcot-Marie-Tooth disease axonal type 2O. Last evaluated: 2022-04-09. Review status: criteria provided, single submitter. Criteria: Invitae Variant Classification Sherloc (09022015). Collection method: clinical testing. Allele origin: germline.

NM_001376.5(DYNC1H1):c.1311C>T (p.Ile437=)

Gene: DYNC1H1 (dynein cytoplasmic 1 heavy chain 1; plus strand). Cytogenetic location: 14q32.31.
Variant type: single nucleotide variant.
Coding change: c.1311C>T on transcript NM_001376.5 (MANE Select); coding-DNA position 1311, C replaced by T.
Protein change: p.Ile437=; no amino-acid change (isoleucine 437 retained).
Molecular consequence: synonymous variant.
Genome position (GRCh38, 1-based): chr14:101,983,459, C>T. VCF-style: chr14-101983459-C-T. GRCh37 (hg19) VCF-style: chr14-102449796-C-T.
Identifiers: ClinVar variation 2178473 (VCV002178473.10), dbSNP rs1423241445, ClinGen allele CA487965972.